The following is an entry in ClinVar:

ClinVar aggregate classification (germline): Uncertain significance (1 of 4 stars; one submission).

Conditions:
Generalized epilepsy with febrile seizures plus, type 9 (GEFSP9). Also called: GEFS+, TYPE 9. Identifiers: Orphanet 36387, MedGen C4015395, MONDO:0014517, OMIM 616172.

Allele frequency attached by ClinVar (database versions not stated): ExAC 0.00001; gnomAD 0.00001; TOPMed 0.00001.
gnomAD v4.1: 2 of 1,612,904 alleles (0.00012%); highest among the groups gnomAD compares: African/African-American, 0.0027%; no homozygotes.

Submission:

Labcorp Genetics (formerly Invitae), Labcorp
Classification: Uncertain significance for Generalized epilepsy with febrile seizures plus, type 9. Last evaluated: 2022-04-07. Review status: criteria provided, single submitter. Criteria: Invitae Variant Classification Sherloc (09022015). Collection method: clinical testing. Allele origin: germline.
Comment: This variant is present in population databases (rs766149036, gnomAD 0.008%). This sequence change falls in intron 2 of the STX1B gene. It does not directly change the encoded amino acid sequence of the STX1B protein. In summary, the available evidence is currently insufficient to determine the role of this variant in disease. Therefore, it has been classified as a Variant of Uncertain Significance. Algorithms developed to predict the effect of sequence changes on RNA splicing suggest that this variant may disrupt the consensus splice site. This variant has not been reported in the literature in individuals affected with STX1B-related conditions.

NM_052874.5(STX1B):c.106-6C>T

Gene: STX1B (syntaxin 1B; minus strand). Cytogenetic location: 16p11.2.
Variant type: single nucleotide variant.
Coding change: c.106-6C>T on transcript NM_052874.5 (MANE Select); 6 bases into the intron before coding-DNA position 106, C replaced by T.
Molecular consequence: intron variant.
Genome position (GRCh38, 1-based): chr16:31,001,199, G>A on the plus strand (C>T on the coding strand, the complement: STX1B is on the minus strand). VCF-style: chr16-31001199-G-A. GRCh37 (hg19) VCF-style: chr16-31012520-G-A.
Identifiers: ClinVar variation 2063198 (VCV002063198.4), dbSNP rs766149036, ClinGen allele CA8018475.
Genomic context (GRCh38, chr16:31,001,199, plus strand): 5'-TCACCTGCTCCACATCCTCCGACAGTTTCTCAATGCAGCCCCGGATCTCTTCCACCTGGA[G>A]CAGAAAATCGGCTATACCCAGCCAAGCTGTCAGGCCAAACAACGGGTTCCAGGGGAACCA-3'